The following is an entry in ClinVar:

NM_152564.5(VPS13B):c.1272G>T (p.Leu424Phe)

Gene: VPS13B (vacuolar protein sorting 13 homolog B; plus strand). Cytogenetic location: 8q22.2.
Variant type: single nucleotide variant.
Coding change: c.1272G>T on transcript NM_152564.5 (MANE Select); coding-DNA position 1272, G replaced by T.
Protein change: p.Leu424Phe; replaces leucine 424 with phenylalanine.
Molecular consequence: missense variant.
Genome position (GRCh38, 1-based): chr8:99,134,697, G>T. VCF-style: chr8-99134697-G-T. GRCh37 (hg19) VCF-style: chr8-100146925-G-T.
Other names: c.1272G>T, p.Leu424Phe (NM_015243.3, NM_017890.5); short protein forms L424F.
Identifiers: ClinVar variation 4986972 (VCV004986972.1).
Genomic context (GRCh38, chr8:99,134,697, plus strand): 5'-AGAAATGCAAGTTGAGAGTAGTTATTACAGTCCACAGAAAGTAAAATCTAAAGAAGTATT[G>T]TGTTGGGAACAAGAAGGAACTACAGTTGAGGTAATCTTTCAATATTGAACCTGTATTTTT-3'
Protein context (NP_689777.3, residues 414-434): SPQKVKSKEV[Leu424Phe]CWEQEGTTVE

ClinVar aggregate classification (germline): Uncertain significance (1 of 4 stars; one submission).

Conditions:
VPS13B-related disorder. Also called: VPS13B-related condition.

gnomAD v4.1: 1 of 1,610,236 alleles (0.000062%); highest among the groups gnomAD compares: Admixed American, 0.0017%; no homozygotes.

Submission:

PreventionGenetics, part of Exact Sciences
Classification: Uncertain significance for VPS13B-related condition. Last evaluated: 2026-04-15. Review status: criteria provided, single submitter. Criteria: ACMG Guidelines, 2015. Collection method: clinical testing. Allele origin: germline.
Comment: The VPS13B c.1272G>T variant is predicted to result in the amino acid substitution p.Leu424Phe. To our knowledge, this variant has not been reported in the literature. This variant is reported in 0.0029% of alleles in individuals of Latino descent in gnomAD. At this time, the clinical significance of this variant is uncertain due to the absence of conclusive functional and genetic evidence.